The following is an entry in ClinVar:

NM_000138.5(FBN1):c.346+16C>T

Gene: FBN1 (fibrillin 1; minus strand). Cytogenetic location: 15q21.1.
Variant type: single nucleotide variant.
Coding change: c.346+16C>T on transcript NM_000138.5 (MANE Select); 16 bases into the intron after coding-DNA position 346, C replaced by T.
Molecular consequence: intron variant.
Genome position (GRCh38, 1-based): chr15:48,610,712, G>A on the plus strand (C>T on the coding strand, the complement: FBN1 is on the minus strand). VCF-style: chr15-48610712-G-A. GRCh37 (hg19) VCF-style: chr15-48902909-G-A.
Identifiers: ClinVar variation 511665 (VCV000511665.9), dbSNP rs369090026, ClinGen allele CA050661.

ClinVar aggregate classification (germline): Likely benign. Review status: criteria provided, multiple submitters, no conflicts (2 of 4 stars). 4 submissions from 4 submitters: Likely benign (4). Last evaluated 2026-01-06.

Conditions:
MASS syndrome (OCTD). Also called: OVERLAP CONNECTIVE TISSUE DISEASE; MASS PHENOTYPE. Identifiers: MedGen C1858556, MONDO:0011431, OMIM 604308.
Progeroid and marfanoid aspect-lipodystrophy syndrome. Also called: MARFANOID-PROGEROID SYNDROME; MARFAN-PROGEROID-LIPODYSTROPHY SYNDROME; Marfan lipodystrophy syndrome; MARFANOID-PROGEROID-LIPODYSTROPHY SYNDROME. Identifiers: Orphanet 300382, MedGen C4310796, MONDO:0014831, OMIM 616914.
Ectopia lentis 1, isolated, autosomal dominant (ECTOL1). Identifiers: Orphanet 1885, MedGen C3541518, MONDO:0007514, OMIM 129600.
Weill-Marchesani syndrome 2, dominant. Also called: Weill-Marchesani Syndrome, Autosomal Dominant; FBN1-Related Weill-Marchesani Syndrome. Identifiers: Orphanet 2084, MedGen C1869115, MONDO:0012013, OMIM 608328.
Acromicric dysplasia (ACMICD). Also called: Acromicric skeletal dysplasia. Identifiers: Orphanet 969, MedGen C0265287, MONDO:0007055, OMIM 102370.
Geleophysic dysplasia 2 (GPHYSD2). Identifiers: Orphanet 2623, MedGen C3280054, MONDO:0013612, OMIM 614185.
Stiff skin syndrome (SSKS). Identifiers: Orphanet 2833, MedGen C1861456, MONDO:0008492, OMIM 184900.
Marfan syndrome (MFS). Also called: Marfan syndrome type 1; Marfan syndrome, classic; Marfan's syndrome; FBN1-Related Marfan Syndrome; MARFAN SYNDROME, TYPE I. Identifiers: Orphanet 284963, Orphanet 558, MedGen C0024796, MONDO:0007947, OMIM 154700.
Familial thoracic aortic aneurysm and aortic dissection (TAAD). Also called: Thoracic aortic aneurysms and dissections. Identifiers: Orphanet 91387, MedGen C4707243, MONDO:0019625.

Allele frequency attached by ClinVar (database versions not stated): gnomAD exomes 0.00004; ExAC 0.00005; gnomAD 0.00006 and 0.00005; ESP Exome Variant Server 0.00008; 1000 Genomes Project 30x 0.00016; TOPMed 0.00005; 1000 Genomes Project 0.00020.
gnomAD v4.1: 66 of 1,567,958 alleles (0.0042%); highest among the groups gnomAD compares: Non-Finnish European, 0.0054%; no homozygotes.

Submissions (4):

Labcorp Genetics (formerly Invitae), Labcorp
Classification: Likely benign for Marfan syndrome; Familial thoracic aortic aneurysm and aortic dissection. Last evaluated: 2026-01-06. Review status: criteria provided, single submitter. Criteria: Invitae Variant Classification Sherloc (09022015). Collection method: clinical testing. Allele origin: germline.

Women's Health and Genetics/Laboratory Corporation of America, LabCorp
Classification: Likely benign. Last evaluated: 2024-12-12. Review status: criteria provided, single submitter. Criteria: LabCorp Variant Classification Summary - May 2015. Collection method: clinical testing. Allele origin: germline.

Fulgent Genetics
Classification: Likely benign for Acromicric dysplasia; Ectopia lentis 1, isolated, autosomal dominant; Marfan syndrome; Stiff skin syndrome; MASS syndrome; Weill-Marchesani syndrome 2, dominant; Geleophysic dysplasia 2; Progeroid and marfanoid aspect-lipodystrophy syndrome. Last evaluated: 2021-07-27. Review status: criteria provided, single submitter. Criteria: ACMG Guidelines, 2015. Collection method: clinical testing. Allele origin: unknown.

GeneDx
Classification: Likely benign. Last evaluated: 2017-08-28. Review status: criteria provided, single submitter. Criteria: GeneDx Variant Classification (06012015). Collection method: clinical testing. Allele origin: germline. Affected: yes.
Comment: This variant is considered likely benign or benign based on one or more of the following criteria: it is a conservative change, it occurs at a poorly conserved position in the protein, it is predicted to be benign by multiple in silico algorithms, and/or has population frequency not consistent with disease.